The following is an entry in ClinVar:

NM_004174.4(SLC9A3):c.1446+1_1446+4delinsCATAC

Gene: SLC9A3 (solute carrier family 9 member A3). Cytogenetic location: 5p15.33.
Variant type: Indel.
Coding change: c.1446+1_1446+4delinsCATAC on transcript NM_004174.4 (MANE Select); the canonical splice donor site of the intron after coding-DNA position 1446 through 4 bases into the intron after coding-DNA position 1446, the reference bases replaced by CATAC.
Molecular consequence: splice donor variant.
Genome position: GRCh38 VCF-style: chr5-482064-TTAC-GTATG. GRCh37 (hg19) VCF-style: chr5-482179-TTAC-GTATG.
Other names: c.1419+1_1419+4delinsCATAC (NM_001284351.3).
Identifiers: ClinVar variation 3364518 (VCV003364518.2).

ClinVar aggregate classification (germline): Likely pathogenic (1 of 4 stars; one submission).

Submission:

GeneDx
Classification: Likely pathogenic. Last evaluated: 2024-12-13. Review status: criteria provided, single submitter. Criteria: GeneDx Variant Classification Process June 2021. Collection method: clinical testing. Allele origin: germline.
Comment: Canonical splice site variant predicted to result in an in-frame loss of the adjacent exon in a gene for which loss of function is a known mechanism of disease; Not observed at significant frequency in large population cohorts (gnomAD); Has not been previously published as pathogenic or benign to our knowledge